The following is an entry in ClinVar:

NM_001174089.2(SLC4A11):c.649C>T (p.Arg217Cys)

Gene: SLC4A11 (solute carrier family 4 member 11; minus strand). Cytogenetic location: 20p13.
Variant type: single nucleotide variant.
Coding change: c.649C>T on transcript NM_001174089.2 (MANE Select); coding-DNA position 649, C replaced by T.
Protein change: p.Arg217Cys; replaces arginine 217 with cysteine.
Molecular consequence: missense variant. On other transcripts: non-coding transcript variant (1).
Genome position (GRCh38, 1-based): chr20:3,233,594, G>A on the plus strand (C>T on the coding strand, the complement: SLC4A11 is on the minus strand). VCF-style: chr20-3233594-G-A. GRCh37 (hg19) VCF-style: chr20-3214240-G-A.
Other names: c.778C>T, p.Arg260Cys (NM_001174090.2); c.697C>T (NM_032034.3); c.649C>T, p.Arg217Cys (NM_001363745.2); c.697C>T, p.Arg233Cys (NM_032034.4); short protein forms R217C, R233C, R260C.
Identifiers: ClinVar variation 1333285 (VCV001333285.4), dbSNP rs762942751, ClinGen allele CA9742182.

ClinVar aggregate classification (germline): Conflicting classifications of pathogenicity. Review status: criteria provided, conflicting classifications (1 of 4 stars). 4 submissions from 4 submitters: Likely pathogenic (2); Uncertain significance (2). Last evaluated 2024-06-07.

Conditions:
Congenital hereditary endothelial dystrophy of cornea. Also called: CORNEAL DYSTROPHY, CONGENITAL HEREDITARY ENDOTHELIAL; Congenital hereditary endothelial dystrophy type II; Congenital hereditary endothelial dystrophy of the cornea; Maumenee corneal dystrophy; Corneal endothelial dystrophy, autosomal recessive. Identifiers: Orphanet 293603, MedGen C1857569, MONDO:0009019, OMIM 217700.
Corneal dystrophy-perceptive deafness syndrome (CDPD). Also called: CORNEAL DYSTROPHY AND SENSORINEURAL DEAFNESS; HARBOYAN SYNDROME. Identifiers: Orphanet 1490, MedGen C1857572, MONDO:0009015, OMIM 217400.
Corneal dystrophy, Fuchs endothelial, 4 (FECD4). Identifiers: Orphanet 98974, MedGen C2750450, MONDO:0013204, OMIM 613268.

Allele frequency attached by ClinVar (database versions not stated): TOPMed below 0.00001; gnomAD 0.00001; gnomAD exomes 0.00001; ExAC 0.00002.
gnomAD v4.1: 11 of 1,613,564 alleles (0.00068%); highest among the groups gnomAD compares: African/African-American, 0.0013%; no homozygotes.

Submissions (4):

Fulgent Genetics
Classification: Likely pathogenic for Corneal dystrophy-perceptive deafness syndrome; Congenital hereditary endothelial dystrophy of cornea; Corneal dystrophy, Fuchs endothelial, 4. Last evaluated: 2024-06-07. Review status: criteria provided, single submitter. Criteria: ACMG Guidelines, 2015. Collection method: clinical testing. Allele origin: germline.

Women's Health and Genetics/Laboratory Corporation of America, LabCorp
Classification: Likely pathogenic for Corneal dystrophy-perceptive deafness syndrome. Last evaluated: 2023-09-06. Review status: criteria provided, single submitter. Criteria: LabCorp Variant Classification Summary - May 2015. Collection method: clinical testing. Allele origin: germline.
Comment: Variant summary: SLC4A11 c.697C>T (p.Arg233Cys) results in a non-conservative amino acid change in the encoded protein sequence. Five of five in-silico tools predict a damaging effect of the variant on protein function. The variant allele was found at a frequency of 1.2e-05 in 250488 control chromosomes (gnomAD). c.697C>T has been reported in the literature in a homozygous individual affected with congenital hereditary endothelial dystrophy (Sultana_2007). These data indicate that the variant may be associated with disease. At least two publications report experimental evidence evaluating an impact on protein function, finding that the variant results in a loss of the mature, cell surface-associated form of the protein and increased susceptibility to oxidative stress, with transfected cells showing increased reactive oxygen species, reduced expression of antioxidant genes and reduced mitochondrial activity (Roy_2015, Alka_2018). The following publications have been ascertained in the context of this evaluation (PMID: 29327391, 17679935, 25811729). One submitter has cited a clinical-significance assessment for this variant to ClinVar after 2014 and has classified the variant as uncertain significance. Based on the evidence outlined above, the variant was classified as likely pathogenic.

3billion
Classification: Uncertain significance for Congenital hereditary endothelial dystrophy of cornea. Last evaluated: 2022-01-03. Review status: criteria provided, single submitter. Criteria: ACMG Guidelines, 2015. Collection method: clinical testing. Allele origin: germline. Affected: yes. Observed: 1 heterozygote.
Comment: ame nucleotide change resulting in same amino acid change has been previously reported to be associated with SLC4A11 related disorder (PMID:17679935, PS1_P). It is observed at an extremely low frequency in the gnomAD v2.1.1 dataset (total allele frequency: 0.000012, PM2_M). In silico tool predictions suggest damaging effect of the variant on gene or gene product (REVEL: 0.926, PP3_P). S Therefore, this variant is classified as uncertain significance according to the recommendation of ACMG/AMP guideline.

Neuberg Centre For Genomic Medicine, NCGM
Classification: Uncertain significance for Congenital hereditary endothelial dystrophy of cornea. Review status: criteria provided, single submitter. Criteria: ACMG Guidelines, 2015. Collection method: clinical testing. Allele origin: germline. Inheritance: Autosomal recessive inheritance. Affected: yes.
Comment: The missense c.649C>T p.Arg217Cys variant in SLC4A11 gene has not been reported previously as a pathogenic variant nor as a benign variant, to our knowledge. The p.Arg217Cys variant is reported with allele frequency of 0.001% in gnomAD Exomes and is novel not in any individuals in 1000 Genomes. This variant has been reported to the ClinVar database as Uncertain Significance. The amino acid change p.Arg217Cys in SLC4A11 is predicted as conserved by GERP++ and PhyloP across 100 vertebrates. The amino acid Arg at position 217 is changed to a Cys changing protein sequence and it might alter its composition and physico-chemical properties. For these reasons, this variant has been classified as a Variant of Uncertain Significance VUS.

Literature cited by the submitters: PubMed 29327391 (cited by Women's Health and Genetics/Laboratory Corporation of America, LabCorp); PubMed 25811729 (cited by Women's Health and Genetics/Laboratory Corporation of America, LabCorp); PubMed 17679935 (cited by Women's Health and Genetics/Laboratory Corporation of America, LabCorp and 3billion).